The following is an entry in ClinVar:

NM_000891.3(KCNJ2):c.899G>T (p.Gly300Val)

Gene: KCNJ2 (potassium inwardly rectifying channel subfamily J member 2; plus strand). Cytogenetic location: 17q24.3.
Variant type: single nucleotide variant.
Coding change: c.899G>T on transcript NM_000891.3 (MANE Select); coding-DNA position 899, G replaced by T.
Protein change: p.Gly300Val; replaces glycine 300 with valine.
Molecular consequence: missense variant.
Genome position (GRCh38, 1-based): chr17:70,175,938, G>T. VCF-style: chr17-70175938-G-T. GRCh37 (hg19) VCF-style: chr17-68172079-G-T.
Other names: p.G300V:GGC>GTC; c.899G>T (LRG_328t1); short protein forms G300V.
Identifiers: ClinVar variation 8920 (VCV000008920.10), dbSNP rs104894579, ClinGen allele CA254594.
Genomic context (GRCh38, chr17:70,175,938, plus strand): 5'-ATGATTTGAGTAAACAGGACATTGACAACGCAGACTTTGAAATCGTGGTCATACTGGAAG[G>T]CATGGTGGAAGCCACTGCCATGACGACACAGTGCCGTAGCTCTTATCTAGCAAATGAAAT-3'
Protein context (NP_000882.1, residues 290-310): ADFEIVVILE[Gly300Val]MVEATAMTTQ

ClinVar aggregate classification (germline): Pathogenic. Review status: criteria provided, multiple submitters, no conflicts (2 of 4 stars). 6 submissions from 6 submitters: Pathogenic (4). 2 of the submissions do not count toward it. Last evaluated 2025-05-28.

Conditions:
Cardiovascular phenotype. Identifiers: MedGen CN230736.
Familial long QT syndrome (RWS). Also called: Romano-Ward syndrome; VENTRICULAR FIBRILLATION WITH PROLONGED QT INTERVAL; Congenital long QT syndrome. Identifiers: Orphanet 768, MedGen C1141890, MONDO:0019171.
Andersen Tawil syndrome (LQT7). Also called: Potassium-sensitive periodic paralysis, ventricular ectopy, and dysmorphic features; Andersen Syndrome; ANDERSEN CARDIODYSRHYTHMIC PERIODIC PARALYSIS; PERIODIC PARALYSIS, POTASSIUM-SENSITIVE CARDIODYSRHYTHMIC TYPE; LONG QT SYNDROME 7. Identifiers: Orphanet 37553, MedGen C1563715, MONDO:0008222, OMIM 170390.
Short QT syndrome type 3. Identifiers: Orphanet 51083, MedGen C1865018, MONDO:0012314, OMIM 609622.

Submissions (6):

Labcorp Genetics (formerly Invitae), Labcorp
Classification: Pathogenic for Short QT syndrome type 3; Andersen Tawil syndrome. Last evaluated: 2025-05-28. Review status: criteria provided, single submitter. Criteria: Invitae Variant Classification Sherloc (09022015). Collection method: clinical testing. Allele origin: germline.
Comment: This sequence change replaces glycine, which is neutral and non-polar, with valine, which is neutral and non-polar, at codon 300 of the KCNJ2 protein (p.Gly300Val). This variant is not present in population databases (gnomAD no frequency). This missense change has been observed in individuals with Andersen-Tawil syndrome (PMID: 12163457, 16419128, 17221872, 31737537). It has also been observed to segregate with disease in related individuals. ClinVar contains an entry for this variant (Variation ID: 8920). Invitae Evidence Modeling of protein sequence and biophysical properties (such as structural, functional, and spatial information, amino acid conservation, physicochemical variation, residue mobility, and thermodynamic stability) indicates that this missense variant is expected to disrupt KCNJ2 protein function with a positive predictive value of 95%. Experimental studies have shown that this missense change affects KCNJ2 function (PMID: 12163457, 16834334). For these reasons, this variant has been classified as Pathogenic.

Department of Genetics, Rouen University Hospital, Normandy Center for Genomic and Personalized Medicine
Classification: Pathogenic for Andersen Tawil syndrome. Last evaluated: 2024-08-26. Review status: criteria provided, single submitter. Criteria: ACMG Guidelines, 2015. Collection method: clinical testing. Allele origin: de novo. Affected: yes.

Ambry Genetics
Classification: Pathogenic for Cardiovascular phenotype. Last evaluated: 2024-05-01. Review status: criteria provided, single submitter. Criteria: Ambry Variant Classification Scheme 2023. Collection method: clinical testing. Allele origin: germline.
Comment: The p.G300V pathogenic mutation (also known as c.899G>T), located in coding exon 1 of the KCNJ2 gene, results from a G to T substitution at nucleotide position 899. The glycine at codon 300 is replaced by valine, an amino acid with dissimilar properties. This variant was reported in several individuals with features consistent with Andersen-Tawil syndrome, and has been reported to segregate with disease features in families (Plaster NM et al. Cell, 2001 May;105:511-9; Tristani-Firouzi M et al. J Clin Invest, 2002 Aug;110:381-8; Yoon G et al. Am J Med Genet A, 2006 Feb;140:312-21; Haruna Y et al. Hum Mutat, 2007 Feb;28:208; Miyazaki A et al. JACC Clin Electrophysiol, 2016 Jun;2:266-276). In multiple assays testing KCNJ2 function, this variant showed functionally abnormal results (Tristani-Firouzi M et al. J Clin Invest, 2002 Aug;110:381-8; Bendahhou S et al. J Biol Chem, 2003 Dec;278:51779-85; Lange PS et al. Cardiovasc Res, 2003 Aug;59:321-7). This amino acid position is highly conserved in available vertebrate species. In addition, this alteration is predicted to be deleterious by in silico analysis. This variant is considered to be rare based on population cohorts in the Genome Aggregation Database (gnomAD). Based on the supporting evidence, this variant is interpreted as a disease-causing mutation.

GeneDx
Classification: Pathogenic. Last evaluated: 2018-11-26. Review status: criteria provided, single submitter. Criteria: GeneDx Variant Classification (06012015). Collection method: clinical testing. Allele origin: germline. Affected: yes.
Comment: The G300V variant in the KCNJ2 gene has been reported in multiple individuals with a diagnosis of Andersen-Tawil syndrome (ATS) (Plaster et al., 2001; Haruna et al., 2007; Kamiya et al., 2012; Miyamoto et al., 2015) and was observed to segregate with disease in a least one affected family member (Haruna et al., 2007). The G300V variant has additionally been reported in two siblings diagnosed with LQTS before 1 year of age (Miyazaki et al., 2016). Additionally, this variant is not observed in large population cohorts (Lek et al., 2016). The G300V variant is a conservative amino acid substitution, which is not likely to impact secondary protein structure as these residues share similar properties. However, in-silico analyses, including protein predictors and evolutionary conservation, support a deleterious effect. Moreover, functional studies in CHO cells have showed that G300V failed to yield any measurable potassium current, and additional assays of G300V have demonstrated a dominant-negative suppression of Kir2.1 channel function (Lange et al., 2003; Tristani-Firouzi et al., 2002; Bendahhou et al., 2003). Finally, a different variant at the same residue (G300D) and variants in nearby residues (E299V, M301L, M301R, M301K) have been classified as likely pathogenic/pathogenic at GeneDx, further supporting the functional importance of this residue and region of the protein.

OMIM
Classification: Pathogenic for ANDERSEN CARDIODYSRHYTHMIC PERIODIC PARALYSIS. Last evaluated: 2001-05-18. Review status: no assertion criteria provided. Collection method: literature only. Allele origin: germline. Not counted in ClinVar's aggregate classification.

Cardiovascular Biomedical Research Unit, Royal Brompton & Harefield NHS Foundation Trust
No classification provided. Condition: Familial long QT syndrome. Review status: no classification provided. Collection method: literature only. Allele origin: germline. Not counted in ClinVar's aggregate classification.
Comment: This variant has been reported in the following publications (PMID:11371347;PMID:12163457;PMID:17221872;PMID:22002906).

Literature cited by the submitters: PubMed 12163457 (cited by 3 submitters); PubMed 16419128 (cited by Labcorp Genetics (formerly Invitae), Labcorp and Ambry Genetics); PubMed 17221872 (cited by 3 submitters); PubMed 31737537 (cited by Labcorp Genetics (formerly Invitae), Labcorp); PubMed 16834334 (cited by Labcorp Genetics (formerly Invitae), Labcorp and Ambry Genetics); PubMed 11371347 (cited by 3 submitters); PubMed 12909315 (cited by Ambry Genetics); PubMed 14522976 (cited by Ambry Genetics); PubMed 29766883 (cited by Ambry Genetics); PubMed 22002906 (cited by Cardiovascular Biomedical Research Unit, Royal Brompton & Harefield NHS Foundation Trust); PubMed 22581653 (cited by Cardiovascular Biomedical Research Unit, Royal Brompton & Harefield NHS Foundation Trust).